The following is an entry in ClinVar:

ClinVar aggregate classification (germline): Uncertain significance (1 of 4 stars; one submission).

Conditions:
Carnitine palmitoyltransferase II deficiency. Also called: Carnitine Palmitoyltransferase 2 Deficiency. Identifiers: Orphanet 157, MedGen C0342790, MONDO:0015515.

Submission:

Labcorp Genetics (formerly Invitae), Labcorp
Classification: Uncertain significance for Carnitine palmitoyltransferase II deficiency. Last evaluated: 2025-10-02. Review status: criteria provided, single submitter. Criteria: Invitae Variant Classification Sherloc (09022015). Collection method: clinical testing. Allele origin: germline.
Comment: This sequence change replaces phenylalanine, which is neutral and non-polar, with leucine, which is neutral and non-polar, at codon 218 of the CPT2 protein (p.Phe218Leu). This variant is not present in population databases (gnomAD no frequency). This variant has not been reported in the literature in individuals affected with CPT2-related conditions. ClinVar contains an entry for this variant (Variation ID: 2116343). Invitae Evidence Modeling of protein sequence and biophysical properties (such as structural, functional, and spatial information, amino acid conservation, physicochemical variation, residue mobility, and thermodynamic stability) indicates that this missense variant is not expected to disrupt CPT2 protein function with a negative predictive value of 80%. In summary, the available evidence is currently insufficient to determine the role of this variant in disease. Therefore, it has been classified as a Variant of Uncertain Significance.

NM_000098.3(CPT2):c.652T>C (p.Phe218Leu)

Gene: CPT2 (carnitine palmitoyltransferase 2; plus strand). Cytogenetic location: 1p32.3.
Variant type: single nucleotide variant.
Coding change: c.652T>C on transcript NM_000098.3 (MANE Select); coding-DNA position 652, T replaced by C.
Protein change: p.Phe218Leu; replaces phenylalanine 218 with leucine.
Molecular consequence: missense variant.
Genome position (GRCh38, 1-based): chr1:53,210,326, T>C. VCF-style: chr1-53210326-T-C. GRCh37 (hg19) VCF-style: chr1-53675998-T-C.
Other names: c.652T>C, p.Phe218Leu (NM_001330589.2); short protein forms F218L.
Identifiers: ClinVar variation 2116343 (VCV002116343.4), dbSNP rs2525587302, ClinGen allele CA340393101.